The following is an entry in ClinVar:

NM_015999.6(ADIPOR1):c.1088A>T (p.Tyr363Phe)

Gene: ADIPOR1 (adiponectin receptor 1; minus strand). Cytogenetic location: 1q32.1.
Variant type: single nucleotide variant.
Coding change: c.1088A>T on transcript NM_015999.6 (MANE Select); coding-DNA position 1088, A replaced by T.
Protein change: p.Tyr363Phe; replaces tyrosine 363 with phenylalanine.
Molecular consequence: missense variant.
Genome position (GRCh38, 1-based): chr1:202,941,613, T>A on the plus strand (A>T on the coding strand, the complement: ADIPOR1 is on the minus strand). VCF-style: chr1-202941613-T-A. GRCh37 (hg19) VCF-style: chr1-202910741-T-A.
Other names: c.1088A>T, p.Tyr363Phe (NM_001127687.1, NM_001290553.2, NM_001290557.1 and 1 more transcripts); short protein forms Y363F.
Identifiers: ClinVar variation 1915722 (VCV001915722.6), dbSNP rs766580369, ClinGen allele CA1335832.

ClinVar aggregate classification (germline): Uncertain significance. Review status: criteria provided, multiple submitters, no conflicts (2 of 4 stars). 2 submissions from 2 submitters: Uncertain significance (2). Last evaluated 2023-02-18.

Allele frequency attached by ClinVar (database versions not stated): TOPMed below 0.00001; ExAC 0.00001; gnomAD 0.00001; gnomAD exomes 0.00009.
gnomAD v4.1: 124 of 1,614,038 alleles (0.0077%); highest among the groups gnomAD compares: Non-Finnish European, 0.011%; no homozygotes.

Submissions (2):

Labcorp Genetics (formerly Invitae), Labcorp
Classification: Uncertain significance. Last evaluated: 2023-02-18. Review status: criteria provided, single submitter. Criteria: Invitae Variant Classification Sherloc (09022015). Collection method: clinical testing. Allele origin: germline.
Comment: This variant has not been reported in the literature in individuals affected with ADIPOR1-related conditions. An algorithm developed to predict the effect of missense changes on protein structure and function (PolyPhen-2) suggests that this variant is likely to be tolerated. In summary, the available evidence is currently insufficient to determine the role of this variant in disease. Therefore, it has been classified as a Variant of Uncertain Significance. This variant is present in population databases (rs766580369, gnomAD 0.002%). This sequence change replaces tyrosine, which is neutral and polar, with phenylalanine, which is neutral and non-polar, at codon 363 of the ADIPOR1 protein (p.Tyr363Phe).

Blueprint Genetics
Classification: Uncertain significance. Last evaluated: 2020-06-18. Review status: criteria provided, single submitter. Criteria: ACMG Guidelines, 2015. Collection method: clinical testing. Allele origin: germline.